The following is an entry in ClinVar:

ClinVar aggregate classification (germline): Likely pathogenic (1 of 4 stars; one submission).

Conditions:
Bilateral frontoparietal polymicrogyria. Also called: CEREBELLAR ATAXIA WITH NEURONAL MIGRATION DEFECT; CORTICAL DYSPLASIA, COMPLEX, WITH OTHER BRAIN MALFORMATIONS 14A (BILATERAL FRONTOPARIETAL). Identifiers: Orphanet 101070, MedGen C1847352, MONDO:0011738, OMIM 606854.

Submission:

Natera, Inc.
Classification: Likely pathogenic for Bilateral frontoparietal polymicrogyria. Last evaluated: 2026-01-28. Review status: criteria provided, single submitter. Criteria: Natera Variant Classification Schema (03/2026). Collection method: clinical testing. Allele origin: germline.
Comment: The c.81_93del variant in ADGRG1 is a frameshift variant predicted to shift the reading frame beginning at codon 28 and leads to a stop codon 81 codons downstream. This variant is expected to result in nonsense mediated decay, truncation, or a dysfunctional protein product. This variant is rare in the general population with a frequency below the threshold expected for the associated phenotype(s). Given the available evidence, this variant is classified as Likely Pathogenic.

NM_201525.4(ADGRG1):c.81_93del (p.His28fs)

Gene: ADGRG1 (adhesion G protein-coupled receptor G1; plus strand). Cytogenetic location: 16q21.
Variant type: Deletion.
Coding change: c.81_93del on transcript NM_201525.4 (MANE Select); coding-DNA positions 81 to 93, 13 bases deleted (CCACAGGGAAGAC).
Protein change: p.His28fs; shifts the reading frame from histidine 28.
Molecular consequence: frameshift variant. On other transcripts: 5 prime UTR variant (1), intron variant (5).
Genome position (GRCh38, 1-based): chr16:57,651,216-57,651,228, CCACAGGGAAGAC deleted. VCF-style (leftmost placement, unchanged base first): chr16-57651215-GCCACAGGGAAGAC-G. GRCh37 (hg19) VCF-style: chr16-57685127-GCCACAGGGAAGAC-G.
Other names: c.81_93del, p.His28fs (NM_001370439.1, NM_001370440.1, NM_001370441.1 and 17 more transcripts); c.-445_-433del (NM_001370453.1); c.-418-27_-418-15del (NM_001370451.1, NM_001290143.2, NM_001290144.2); c.65-140_65-128del (NM_001370442.1); c.96_108del, p.His33fs (NM_001145773.3, NM_001370433.1); c.-414-31_-414-19del (NM_001370454.1); short protein forms H28fs, H33fs.
Identifiers: ClinVar variation 4815454 (VCV004815454.1).
Genomic context (GRCh38, chr16:57,651,215, plus strand): 5'-TCAGCCCCTGCCACGGGGTCCCATCTGCAGCCTCTGCCTCCTCAGGTGCCCACGGCAGGG[GCCACAGGGAAGAC>G]TTTCGCTTCTGCAGCCAGCGGAACCAGACACACAGGAGCAGCCTCCACTACAAACCCACA-3'